The following is an entry in ClinVar:

ClinVar aggregate classification (germline): Uncertain significance (1 of 4 stars; one submission).

Conditions:
KIDINS220-related disorder. Also called: KIDINS220-related condition.

gnomAD v4.1: 20 of 1,613,440 alleles (0.0012%); highest among the groups gnomAD compares: South Asian, 0.018%; no homozygotes.

Submission:

PreventionGenetics, part of Exact Sciences
Classification: Uncertain significance for KIDINS220-related condition. Last evaluated: 2026-02-10. Review status: criteria provided, single submitter. Criteria: ACMG Guidelines, 2015. Collection method: clinical testing. Allele origin: germline.
Comment: The KIDINS220 c.1808A>G variant is predicted to result in the amino acid substitution p.Asn603Ser. To our knowledge, this variant has not been reported in the literature. This variant is reported in 0.020% of alleles in individuals of South Asian descent in gnomAD. At this time, the clinical significance of this variant is uncertain due to the absence of conclusive functional and genetic evidence.

NM_020738.4(KIDINS220):c.1808A>G (p.Asn603Ser)

Gene: KIDINS220 (kinase D interacting substrate 220; minus strand). Cytogenetic location: 2p25.1.
Variant type: single nucleotide variant.
Coding change: c.1808A>G on transcript NM_020738.4 (MANE Select); coding-DNA position 1808, A replaced by G.
Protein change: p.Asn603Ser; replaces asparagine 603 with serine.
Molecular consequence: missense variant. On other transcripts: non-coding transcript variant (2).
Genome position (GRCh38, 1-based): chr2:8,786,337, T>C on the plus strand (A>G on the coding strand, the complement: KIDINS220 is on the minus strand). VCF-style: chr2-8786337-T-C. GRCh37 (hg19) VCF-style: chr2-8926467-T-C.
Other names: c.1811A>G, p.Asn604Ser (NM_001348729.2, NM_001348731.2, NM_001348734.2 and 3 more transcripts); c.1808A>G, p.Asn603Ser (NM_001348732.2, NM_001348735.2, NM_001348738.2 and 3 more transcripts); c.1682A>G, p.Asn561Ser (NM_001348736.2); short protein forms N603S, N604S, N561S.
Identifiers: ClinVar variation 4984434 (VCV004984434.1).